The following is an entry in ClinVar:

NM_017514.5(PLXNA3):c.2363C>T (p.Ala788Val)

Gene: PLXNA3 (plexin A3; plus strand). Cytogenetic location: Xq28.
Variant type: single nucleotide variant.
Coding change: c.2363C>T on transcript NM_017514.5 (MANE Select); coding-DNA position 2363, C replaced by T.
Protein change: p.Ala788Val; replaces alanine 788 with valine.
Molecular consequence: missense variant.
Genome position (GRCh38, 1-based): chrX:154,465,678, C>T. VCF-style: chrX-154465678-C-T. GRCh37 (hg19) VCF-style: chrX-153694021-C-T.
Other names: short protein forms A788V.
Identifiers: ClinVar variation 4986821 (VCV004986821.1).

ClinVar aggregate classification (germline): Uncertain significance (1 of 4 stars; one submission).

Conditions:
PLXNA3-related disorder. Also called: PLXNA3-related condition.

Submission:

PreventionGenetics, part of Exact Sciences
Classification: Uncertain significance for PLXNA3-related condition. Last evaluated: 2026-05-13. Review status: criteria provided, single submitter. Criteria: ACMG Guidelines, 2015. Collection method: clinical testing. Allele origin: germline.
Comment: The PLXNA3 c.2363C>T variant is predicted to result in the amino acid substitution p.Ala788Val. This variant is reported in 0.0037% of alleles in individuals of Latino descent in gnomAD. At this time, the clinical significance of this variant is uncertain due to the absence of conclusive functional and genetic evidence.